The following is an entry in ClinVar:

ClinVar aggregate classification (germline): Uncertain significance (1 of 4 stars; one submission).

Conditions:
Spastic paraplegia. Identifiers: MedGen C0037772, HP:0001258.

Allele frequency attached by ClinVar (database versions not stated): gnomAD exomes below 0.00001; ExAC 0.00001.
gnomAD v4.1: 2 of 1,613,942 alleles (0.00012%); no homozygotes.

Submission:

Labcorp Genetics (formerly Invitae), Labcorp
Classification: Uncertain significance for Spastic paraplegia. Last evaluated: 2022-07-15. Review status: criteria provided, single submitter. Criteria: Invitae Variant Classification Sherloc (09022015). Collection method: clinical testing. Allele origin: germline.
Comment: This variant has not been reported in the literature in individuals affected with AP4E1-related conditions. This variant is present in population databases (rs747230955, gnomAD 0.01%). This sequence change replaces glutamine, which is neutral and polar, with histidine, which is basic and polar, at codon 143 of the AP4E1 protein (p.Gln143His). Algorithms developed to predict the effect of missense changes on protein structure and function are either unavailable or do not agree on the potential impact of this missense change (SIFT: "Deleterious"; PolyPhen-2: "Probably Damaging"; Align-GVGD: "Class C0"). In summary, the available evidence is currently insufficient to determine the role of this variant in disease. Therefore, it has been classified as a Variant of Uncertain Significance.

NM_007347.5(AP4E1):c.429G>C (p.Gln143His)

Gene: AP4E1 (adaptor related protein complex 4 subunit epsilon 1; plus strand). Cytogenetic location: 15q21.2.
Variant type: single nucleotide variant.
Coding change: c.429G>C on transcript NM_007347.5 (MANE Select); coding-DNA position 429, G replaced by C.
Protein change: p.Gln143His; replaces glutamine 143 with histidine.
Molecular consequence: missense variant.
Genome position (GRCh38, 1-based): chr15:50,925,106, G>C. VCF-style: chr15-50925106-G-C. GRCh37 (hg19) VCF-style: chr15-51217303-G-C.
Other names: c.204G>C, p.Gln68His (NM_001252127.2); short protein forms Q143H, Q68H.
Identifiers: ClinVar variation 1982136 (VCV001982136.4), dbSNP rs747230955, ClinGen allele CA7558775.
Genomic context (GRCh38, chr15:50,925,106, plus strand): 5'-TCCTAGTTTCAGTATTTACACTAAATGTTTTCTTTGCTTAATGTTGTGCCAGGATCTGCA[G>C]AGCACTAACCTAGTAGAAGTGTGTATGGCACTGACTGTTGTTAGCCAGATTTTCCCCTGC-3'
Protein context (NP_031373.2, residues 133-153): LLVNTVVKDL[Gln143His]STNLVEVCMA